The following is an entry in ClinVar:

NM_000431.4(MVK):c.71A>G (p.His24Arg)

Gene: MVK (mevalonate kinase; plus strand). Cytogenetic location: 12q24.11.
Variant type: single nucleotide variant.
Coding change: c.71A>G on transcript NM_000431.4 (MANE Select); coding-DNA position 71, A replaced by G.
Protein change: p.His24Arg; replaces histidine 24 with arginine.
Molecular consequence: missense variant. On other transcripts: non-coding transcript variant (4), intron variant (1).
Genome position (GRCh38, 1-based): chr12:109,574,893, A>G. VCF-style: chr12-109574893-A-G. GRCh37 (hg19) VCF-style: chr12-110012698-A-G.
Other names: c.71A>G, p.His24Arg (NM_001114185.3, NM_001301182.2, NM_001414511.1 and 3 more transcripts); c.-505+1020A>G (NM_001414515.1); short protein forms H24R.
Identifiers: ClinVar variation 2585633 (VCV002585633.1), dbSNP rs144069312, ClinGen allele CA386642989.

ClinVar aggregate classification (germline): Uncertain significance (1 of 4 stars; one submission).

Conditions:
Mevalonic aciduria (MEVA). Identifiers: Orphanet 29, MedGen C1959626, MONDO:0012481, OMIM 610377.

Submission:

Neuberg Centre For Genomic Medicine, NCGM
Classification: Uncertain significance for Mevalonic aciduria. Review status: criteria provided, single submitter. Criteria: ACMG Guidelines, 2015. Collection method: clinical testing. Allele origin: germline. Inheritance: Autosomal recessive inheritance. Affected: yes.
Comment: The missense variant in c.71A>G (p.His24Arg) in MVK gene has not been reported previously as a pathogenic variant nor as a benign variant, to our knowledge. The p.His24Arg variant is novel (not in any individuals) in gnomAD exomes and 1000 Genomes. This variant has not been reported to the ClinVar database. The amino acid His at position 24 is changed to a Arg changing protein sequence and it might alter its composition and physico-chemical properties. The amino acid change p.His24Arg in MVK is predicted as conserved by GERP++ and PhyloP across 100 vertebrates. For these reasons, this variant has been classified as Uncertain Significance (VUS).